The following is an entry in ClinVar:

ClinVar aggregate classification (germline): Likely benign (1 of 4 stars; one submission).

Allele frequency attached by ClinVar (database versions not stated): 1000 Genomes Project 30x 0.00016.

Submission:

CeGaT Center for Human Genetics Tuebingen
Classification: Likely benign. Last evaluated: 2022-09-01. Review status: criteria provided, single submitter. Criteria: CeGaT Center For Human Genetics Tuebingen Variant Classification Criteria Version 2. Collection method: clinical testing. Allele origin: germline. Affected: yes. Observed: 1 variant allele.
Comment: MUC19: BP4, BP7

NC_000012.12:g.40418143G>A

Gene: MUC19 (mucin 19, oligomeric (gene/pseudogene); plus strand). Cytogenetic location: 12q12.
Variant type: single nucleotide variant.
Genome position: GRCh38 VCF-style: chr12-40418143-G-A. GRCh37 (hg19) VCF-style: chr12-40811945-G-A.
Identifiers: ClinVar variation 2642858 (VCV002642858.24), dbSNP rs897536763, ClinGen allele CA235381040.
Genomic context (GRCh38, chr12:40,418,143, plus strand): 5'-AGTAAAATTATACACATAAAATAGCCTGATAATTTGTATTAAAATAGGTGTCACAAGCTC[G>A]TCTGAATATAGTACGTCTGGACCACTCAATACTCCAGGTAATCTGATTTATGACTTTGGG-3'